The following is an entry in ClinVar:

ClinVar aggregate classification (germline): Conflicting classifications of pathogenicity. Review status: criteria provided, conflicting classifications (1 of 4 stars). 2 submissions from 2 submitters: Uncertain significance (1); Likely benign (1). Last evaluated 2023-03-23.

Conditions:
Hereditary cancer-predisposing syndrome. Also called: Hereditary neoplastic syndrome; Neoplastic Syndromes, Hereditary; Tumor predisposition; Hereditary Cancer Syndrome. Identifiers: Orphanet 140162, MedGen C0027672, MeSH D009386, MONDO:0015356.

Submissions (2):

University of Washington Department of Laboratory Medicine, University of Washington
Classification: Likely benign for Hereditary cancer-predisposing syndrome. Last evaluated: 2023-03-23. Review status: criteria provided, single submitter. Criteria: Dines et al. (Genet Med. 2020). Collection method: curation. Allele origin: germline.
Comment: Missense variant in a coldspot region where missense variants are very unlikely to be pathogenic (PMID:31911673).

BRCA2 exon 11 coldspot. Reclassification based on statistical prior probability.

GeneDx
Classification: Uncertain significance. Last evaluated: 2020-12-17. Review status: criteria provided, single submitter. Criteria: GeneDx Variant Classification Process June 2021. Collection method: clinical testing. Allele origin: germline. Affected: yes.
Comment: Not observed in large population cohorts (Lek 2016); In silico analysis supports that this missense variant does not alter protein structure/function; Has not been previously published as pathogenic or benign to our knowledge; Also known as 3811C>G

NM_000059.4(BRCA2):c.3583C>G (p.Leu1195Val)

Gene: BRCA2 (BRCA2 DNA repair associated; plus strand). Cytogenetic location: 13q13.1.
Variant type: single nucleotide variant.
Coding change: c.3583C>G on transcript NM_000059.4 (MANE Select); coding-DNA position 3583, C replaced by G.
Protein change: p.Leu1195Val; replaces leucine 1195 with valine.
Molecular consequence: missense variant.
Genome position (GRCh38, 1-based): chr13:32,337,938, C>G. VCF-style: chr13-32337938-C-G. GRCh37 (hg19) VCF-style: chr13-32912075-C-G.
Other names: short protein forms L1195V.
Identifiers: ClinVar variation 1317425 (VCV001317425.4), dbSNP rs878853571, ClinGen allele CA387777397.
Genomic context (GRCh38, chr13:32,337,938, plus strand): 5'-CAGGTAGACAGCAGCAAGCAATTTGAAGGTACAGTTGAAATTAAACGGAAGTTTGCTGGC[C>G]TGTTGAAAAATGACTGTAACAAAAGTGCTTCTGGTTATTTAACAGATGAAAATGAAGTGG-3'
Protein context (NP_000050.3, residues 1185-1205): TVEIKRKFAG[Leu1195Val]LKNDCNKSAS